The following is an entry in ClinVar:

NM_001282531.3(ADNP):c.2809G>A (p.Glu937Lys)

Gene: ADNP (activity dependent neuroprotector homeobox; minus strand). Cytogenetic location: 20q13.13.
Variant type: single nucleotide variant.
Coding change: c.2809G>A on transcript NM_001282531.3 (MANE Select); coding-DNA position 2809, G replaced by A.
Protein change: p.Glu937Lys; replaces glutamic acid 937 with lysine.
Molecular consequence: missense variant.
Genome position (GRCh38, 1-based): chr20:50,891,905, C>T on the plus strand (G>A on the coding strand, the complement: ADNP is on the minus strand). VCF-style: chr20-50891905-C-T. GRCh37 (hg19) VCF-style: chr20-49508442-C-T.
Other names: c.2809G>A, p.Glu937Lys (NM_001282532.2, NM_001347511.2, NM_015339.5 and 1 more transcripts); short protein forms E937K.
Identifiers: ClinVar variation 1796296 (VCV001796296.5), dbSNP rs184697035, ClinGen allele CA9908517.

ClinVar aggregate classification (germline): Conflicting classifications of pathogenicity. Review status: criteria provided, conflicting classifications (1 of 4 stars). 2 submissions from 2 submitters: Uncertain significance (1); Benign (1). Last evaluated 2025-12-01.

Conditions:
Inborn genetic diseases. Identifiers: MedGen C0950123, MeSH D030342.

Allele frequency attached by ClinVar (database versions not stated): TOPMed 0.00003; ExAC 0.00007; gnomAD exomes 0.00001; 1000 Genomes Project 0.00020; 1000 Genomes Project 30x 0.00031.
gnomAD v4.1: 24 of 1,614,186 alleles (0.0015%); highest among the groups gnomAD compares: Admixed American, 0.015%; no homozygotes.

Submissions (2):

Labcorp Genetics (formerly Invitae), Labcorp
Classification: Uncertain significance. Last evaluated: 2025-12-01. Review status: criteria provided, single submitter. Criteria: Invitae Variant Classification Sherloc (09022015). Collection method: clinical testing. Allele origin: germline.
Comment: This sequence change replaces glutamic acid, which is acidic and polar, with lysine, which is basic and polar, at codon 937 of the ADNP protein (p.Glu937Lys). This variant is present in population databases (rs184697035, gnomAD 0.03%). This missense change has been observed in individual(s) with autism spectrum disorder (PMID: 30564305). ClinVar contains an entry for this variant (Variation ID: 1796296). An algorithm developed to predict the effect of missense changes on protein structure and function (PolyPhen-2) suggests that this variant is likely to be tolerated. In summary, the available evidence is currently insufficient to determine the role of this variant in disease. Therefore, it has been classified as a Variant of Uncertain Significance.

Ambry Genetics
Classification: Benign for Inborn genetic diseases. Last evaluated: 2019-06-18. Review status: criteria provided, single submitter. Criteria: Ambry Variant Classification Scheme 2023. Collection method: clinical testing. Allele origin: germline.

Literature cited by the submitters: PubMed 30564305 (cited by Labcorp Genetics (formerly Invitae), Labcorp).